The following is an entry in ClinVar:

ClinVar aggregate classification (germline): Likely benign. Review status: criteria provided, multiple submitters, no conflicts (2 of 4 stars). 2 submissions from 2 submitters: Likely benign (2). Last evaluated 2024-12-12.

Conditions:
Peroxisome biogenesis disorder 2B (PBD2B). Identifiers: Orphanet 44, MedGen C3550234, MONDO:0008736, OMIM 202370.
PEX5-related disorder. Also called: PEX5-related condition; PEX5-Related Disorders.

Allele frequency attached by ClinVar (database versions not stated): ExAC 0.00001; gnomAD 0.00001; gnomAD exomes 0.00001; TOPMed 0.00001.
gnomAD v4.1: 7 of 1,613,968 alleles (0.00043%); highest among the groups gnomAD compares: Non-Finnish European, 0.00034%; no homozygotes.

Submissions (2):

PreventionGenetics, part of Exact Sciences
Classification: Likely benign for PEX5-related condition. Last evaluated: 2024-12-12. Review status: criteria provided, single submitter. Criteria: ACMG Guidelines, 2015. Collection method: clinical testing. Allele origin: germline.
Comment: This variant is classified as likely benign based on ACMG/AMP sequence variant interpretation guidelines (Richards et al. 2015 PMID: 25741868, with internal and published modifications).

Labcorp Genetics (formerly Invitae), Labcorp
Classification: Likely benign for Peroxisome biogenesis disorder 2B. Last evaluated: 2023-09-19. Review status: criteria provided, single submitter. Criteria: Invitae Variant Classification Sherloc (09022015). Collection method: clinical testing. Allele origin: germline.

NM_001351132.2(PEX5):c.1077G>A (p.Glu359=)

Gene: PEX5 (peroxisomal biogenesis factor 5; plus strand). Cytogenetic location: 12p13.31.
Variant type: single nucleotide variant.
Coding change: c.1077G>A on transcript NM_001351132.2 (MANE Select); coding-DNA position 1077, G replaced by A.
Protein change: p.Glu359=; no amino-acid change (glutamic acid 359 retained).
Molecular consequence: synonymous variant.
Genome position (GRCh38, 1-based): chr12:7,207,769, G>A. VCF-style: chr12-7207769-G-A. GRCh37 (hg19) VCF-style: chr12-7360365-G-A.
Other names: c.1053G>A, p.Glu351= (NM_000319.5); c.1122G>A, p.Glu374= (NM_001131023.2); c.966G>A, p.Glu322= (NM_001131024.2, NM_001351124.3, NM_001351126.2 and 7 more transcripts); c.1077G>A, p.Glu359= (NM_001131025.2, NM_001131026.2, NM_001300789.3 and 4 more transcripts); c.1011G>A, p.Glu337= (NM_001351135.3, NM_001351138.2); c.1068G>A, p.Glu356= (NM_001351136.2); c.942G>A, p.Glu314= (NM_001351139.2, NM_001351140.2, NM_001374649.2); c.1077G>A (NM_001131025.1).
Identifiers: ClinVar variation 3011972 (VCV003011972.4), dbSNP rs760518182, ClinGen allele CA6426351.